The following is an entry in ClinVar:

NM_014251.3(SLC25A13):c.-23G>A

Genes: SLC25A13 (solute carrier family 25 member 13; minus strand), LOC129998833 (ATAC-STARR-seq lymphoblastoid silent region 18384; plus strand). Cytogenetic location: 7q21.3.
Variant type: single nucleotide variant.
Coding change: c.-23G>A on transcript NM_014251.3 (MANE Select); 23 bases upstream of the start codon, G replaced by A.
Molecular consequence: 5 prime UTR variant. On other transcripts: non-coding transcript variant (1).
Genome position (GRCh38, 1-based): chr7:96,321,979, C>T on the plus strand (G>A on the coding strand, the complement: SLC25A13 is on the minus strand). VCF-style: chr7-96321979-C-T. GRCh37 (hg19) VCF-style: chr7-95951291-C-T.
Other names: c.-23G>A (NM_001160210.2).
Identifiers: ClinVar variation 680339 (VCV000680339.1), dbSNP rs577012400, ClinGen allele CA4353440.
Genomic context (GRCh38, chr7:96,321,979, plus strand): 5'-CCCGGCCTCGGGCCCGCGGTTACCTTGGCGGCCGCCATGATTCGCCCCGGTTGCGGGCGA[C>T]TGCGGGACCCACTGACTGGCTGGCTGGCGTTTGGGACCCGGGCGGCTCACTTCTAGTCCC-3'

ClinVar aggregate classification (germline): Likely benign (1 of 4 stars; one submission).

Allele frequency attached by ClinVar (database versions not stated): ExAC 0.00007; gnomAD exomes 0.00011 and 0.00014; gnomAD 0.00013 and 0.00014; TOPMed 0.00013.
gnomAD v4.1: 176 of 1,537,890 alleles (0.011%); highest among the groups gnomAD compares: Admixed American, 0.018%; no homozygotes.

Submission:

GeneDx
Classification: Likely benign. Last evaluated: 2018-03-16. Review status: criteria provided, single submitter. Criteria: GeneDx Variant Classification (06012015). Collection method: clinical testing. Allele origin: germline. Affected: yes.
Comment: This variant is considered likely benign or benign based on one or more of the following criteria: it is a conservative change, it occurs at a poorly conserved position in the protein, it is predicted to be benign by multiple in silico algorithms, and/or has population frequency not consistent with disease.